The following is an entry in ClinVar:

NM_018480.4(TMEM126B):c.-110G>T

Gene: TMEM126B (transmembrane protein 126B; plus strand). Cytogenetic location: 11q14.1.
Variant type: single nucleotide variant.
Coding change: c.-110G>T on transcript NM_018480.4; 110 bases upstream of the start codon, G replaced by T.
Genome position (GRCh38, 1-based): chr11:85,628,498, G>T. VCF-style: chr11-85628498-G-T. GRCh37 (hg19) VCF-style: chr11-85339542-G-T.
Identifiers: ClinVar variation 667503 (VCV000667503.4), dbSNP rs575050, ClinGen allele CA13423999.

ClinVar aggregate classification (germline): Benign. Review status: criteria provided, multiple submitters, no conflicts (2 of 4 stars). 2 submissions from 2 submitters: Benign (2). Last evaluated 2018-06-14.

Allele frequency attached by ClinVar (database versions not stated): 1000 Genomes Project 0.45008; TOPMed 0.45879; 1000 Genomes Project 30x 0.44597.

Submissions (2):

GeneDx
Classification: Benign. Last evaluated: 2018-06-14. Review status: criteria provided, single submitter. Criteria: GeneDx Variant Classification (06012015). Collection method: clinical testing. Allele origin: germline. Affected: yes.
Comment: This variant is considered likely benign or benign based on one or more of the following criteria: it is a conservative change, it occurs at a poorly conserved position in the protein, it is predicted to be benign by multiple in silico algorithms, and/or has population frequency not consistent with disease.

Breakthrough Genomics
Classification: Benign. Review status: criteria provided, single submitter. Criteria: ACMG Guidelines, 2015. Collection method: not provided. Allele origin: germline. Inheritance: Autosomal recessive inheritance. Affected: yes.